The following is an entry in ClinVar:

ClinVar aggregate classification (germline): Uncertain significance (1 of 4 stars; one submission).

Conditions:
Familial temporal lobe epilepsy 7. Identifiers: Orphanet 101046, MedGen C4225327, MONDO:0014639, OMIM 616436.
Norman-Roberts syndrome (LIS2). Also called: Lissencephaly 2 (Norman-Roberts type). Identifiers: Orphanet 89844, MedGen C0796089, MONDO:0009760, OMIM 257320.

Submission:

Labcorp Genetics (formerly Invitae), Labcorp
Classification: Uncertain significance for Familial temporal lobe epilepsy 7; Norman-Roberts syndrome. Last evaluated: 2023-08-03. Review status: criteria provided, single submitter. Criteria: Invitae Variant Classification Sherloc (09022015). Collection method: clinical testing. Allele origin: germline.
Comment: This sequence change replaces threonine, which is neutral and polar, with isoleucine, which is neutral and non-polar, at codon 379 of the RELN protein (p.Thr379Ile). This variant is not present in population databases (gnomAD no frequency). This variant has not been reported in the literature in individuals affected with RELN-related conditions. Advanced modeling of protein sequence and biophysical properties (such as structural, functional, and spatial information, amino acid conservation, physicochemical variation, residue mobility, and thermodynamic stability) performed at Invitae indicates that this missense variant is not expected to disrupt RELN protein function. In summary, the available evidence is currently insufficient to determine the role of this variant in disease. Therefore, it has been classified as a Variant of Uncertain Significance.

NM_005045.4(RELN):c.1136C>T (p.Thr379Ile)

Gene: RELN (reelin; minus strand). Cytogenetic location: 7q22.1.
Variant type: single nucleotide variant.
Coding change: c.1136C>T on transcript NM_005045.4 (MANE Select); coding-DNA position 1136, C replaced by T.
Protein change: p.Thr379Ile; replaces threonine 379 with isoleucine.
Molecular consequence: missense variant.
Genome position (GRCh38, 1-based): chr7:103,697,860, G>A on the plus strand (C>T on the coding strand, the complement: RELN is on the minus strand). VCF-style: chr7-103697860-G-A. GRCh37 (hg19) VCF-style: chr7-103338307-G-A.
Other names: c.1136C>T, p.Thr379Ile (NM_173054.3); short protein forms T379I.
Identifiers: ClinVar variation 2930135 (VCV002930135.3), dbSNP rs2484931402, ClinGen allele CA368927400.
Genomic context (GRCh38, chr7:103,697,860, plus strand): 5'-TTAGAAAGGAGATGAAGGATTAAAACAACCCAAAAACTAAAAAGAGCTCTAACCTTAACT[G>A]TAGCTCCTGGGAAGAAAAGCCAGTTGCCTGTGTCCACTGGGTCGAGACTATCTTCTAAAA-3'
Protein context (NP_005036.2, residues 369-389): TGNWLFFPGA[Thr379Ile]VKHSCQSDGN